The following is an entry in ClinVar:

ClinVar aggregate classification (germline): Uncertain significance (1 of 4 stars; one submission).

Conditions:
Familial temporal lobe epilepsy 7. Identifiers: Orphanet 101046, MedGen C4225327, MONDO:0014639, OMIM 616436.
Norman-Roberts syndrome (LIS2). Also called: Lissencephaly 2 (Norman-Roberts type). Identifiers: Orphanet 89844, MedGen C0796089, MONDO:0009760, OMIM 257320.

Submission:

Labcorp Genetics (formerly Invitae), Labcorp
Classification: Uncertain significance for Familial temporal lobe epilepsy 7; Norman-Roberts syndrome. Last evaluated: 2023-07-21. Review status: criteria provided, single submitter. Criteria: Invitae Variant Classification Sherloc (09022015). Collection method: clinical testing. Allele origin: germline.
Comment: This sequence change falls in intron 44 of the RELN gene. It does not directly change the encoded amino acid sequence of the RELN protein. This variant is not present in population databases (gnomAD no frequency). This variant has not been reported in the literature in individuals affected with RELN-related conditions. Algorithms developed to predict the effect of sequence changes on RNA splicing suggest that this variant may disrupt the consensus splice site. In summary, the available evidence is currently insufficient to determine the role of this variant in disease. Therefore, it has been classified as a Variant of Uncertain Significance.

NM_005045.4(RELN):c.6931-8C>G

Gene: RELN (reelin; minus strand). Cytogenetic location: 7q22.1.
Variant type: single nucleotide variant.
Coding change: c.6931-8C>G on transcript NM_005045.4 (MANE Select); 8 bases into the intron before coding-DNA position 6931, C replaced by G.
Molecular consequence: intron variant.
Genome position (GRCh38, 1-based): chr7:103,539,335, G>C on the plus strand (C>G on the coding strand, the complement: RELN is on the minus strand). VCF-style: chr7-103539335-G-C. GRCh37 (hg19) VCF-style: chr7-103179782-G-C.
Other names: c.6931-8C>G (NM_173054.3).
Identifiers: ClinVar variation 2949204 (VCV002949204.3), dbSNP rs2117127131, ClinGen allele CA2740097446.
Genomic context (GRCh38, chr7:103,539,335, plus strand): 5'-GTGAAATCATCTTCCAAGACCGTATTACCAGAAATATTTCCTCCAATAAGAATCTGAAAT[G>C]TATTTTTAAAAAATCCCAAATTTTCCATTTAGTTTTAAGAAATGGAAAGTTCTGCCTTTT-3'